The following is an entry in ClinVar:

ClinVar aggregate classification (germline): Benign. Review status: criteria provided, multiple submitters, no conflicts (2 of 4 stars). 2 submissions from 2 submitters: Benign (2). Last evaluated 2018-06-14.

Allele frequency attached by ClinVar (database versions not stated): gnomAD exomes 0.03617; gnomAD 0.05470 and 0.05819; TOPMed 0.06082; 1000 Genomes Project 30x 0.08698; 1000 Genomes Project 0.08746.
gnomAD v4.1: 41,372 of 1,044,468 alleles (4%); highest among the groups gnomAD compares: Admixed American, 15%; 1,735 homozygotes.

Submissions (2):

GeneDx
Classification: Benign. Last evaluated: 2018-06-14. Review status: criteria provided, single submitter. Criteria: GeneDx Variant Classification (06012015). Collection method: clinical testing. Allele origin: germline. Affected: yes.
Comment: This variant is considered likely benign or benign based on one or more of the following criteria: it is a conservative change, it occurs at a poorly conserved position in the protein, it is predicted to be benign by multiple in silico algorithms, and/or has population frequency not consistent with disease.

Breakthrough Genomics
Classification: Benign. Review status: criteria provided, single submitter. Criteria: ACMG Guidelines, 2015. Collection method: not provided. Allele origin: germline. Inheritance: Autosomal recessive inheritance. Affected: yes.

NM_001267550.2(TTN):c.26761+146G>T

Gene: TTN (titin; minus strand). Cytogenetic location: 2q31.2.
Variant type: single nucleotide variant.
Coding change: c.26761+146G>T on transcript NM_001267550.2 (MANE Select); 146 bases into the intron after coding-DNA position 26761, G replaced by T.
Molecular consequence: intron variant.
Genome position (GRCh38, 1-based): chr2:178,713,751, C>A on the plus strand (G>T on the coding strand, the complement: TTN is on the minus strand). VCF-style: chr2-178713751-C-A. GRCh37 (hg19) VCF-style: chr2-179578478-C-A.
Other names: c.13657+24331G>T (NM_133432.3); c.23029+146G>T (NM_133378.4); c.25810+146G>T (NM_001256850.1); c.13282+24331G>T (NM_003319.4); c.13858+24331G>T (NM_133437.4).
Identifiers: ClinVar variation 672570 (VCV000672570.2), dbSNP rs10176708, ClinGen allele CA11260885.